The following is an entry in ClinVar:

ClinVar aggregate classification (germline): Conflicting classifications of pathogenicity. Review status: criteria provided, conflicting classifications (1 of 4 stars). 13 submissions from 13 submitters: Uncertain significance (1); Benign (2); Likely benign (8). 2 of the submissions do not count toward it. Last evaluated 2026-07-01.

Conditions:
Cardiovascular phenotype. Identifiers: MedGen CN230736.
LDLRAP1-related disorder. Also called: LDLRAP1-related condition.
Hypercholesterolemia, familial, 4 (FHCL4). Also called: HYPERCHOLESTEROLEMIA, AUTOSOMAL RECESSIVE, 1; HYPERCHOLESTEROLEMIA, AUTOSOMAL RECESSIVE, 2. Identifiers: Orphanet 391665, MedGen C1863512, MONDO:0011374, OMIM 603813.
Familial hypercholesterolemia. Also called: Familial hypercholesterolemias; Familial hypercholesterolaemia. Identifiers: MedGen C0020445, MONDO:0005439.

Allele frequency attached by ClinVar (database versions not stated): 1000 Genomes Project 30x 0.00094; 1000 Genomes Project 0.00100; ExAC 0.00141; gnomAD exomes 0.00144 and 0.00305; gnomAD 0.00181 and 0.00191; TOPMed 0.00218; ESP Exome Variant Server 0.00300.
gnomAD v4.1: 4,718 of 1,613,996 alleles (0.29%); highest among the groups gnomAD compares: Non-Finnish European, 0.37%; 11 homozygotes.

Submissions (13):

CeGaT Center for Human Genetics Tuebingen
Classification: Likely benign. Last evaluated: 2026-07-01. Review status: criteria provided, single submitter. Criteria: CeGaT Center For Human Genetics Tuebingen Variant Classification Criteria Version 2. Collection method: clinical testing. Allele origin: germline. Affected: yes. Observed: 1 variant allele.
Comment: LDLRAP1: BP4, BP7

Labcorp Genetics (formerly Invitae), Labcorp
Classification: Likely benign for Hypercholesterolemia, familial, 4. Last evaluated: 2026-02-03. Review status: criteria provided, single submitter. Criteria: Invitae Variant Classification Sherloc (09022015). Collection method: clinical testing. Allele origin: germline.

Mayo Clinic Laboratories, Mayo Clinic
Classification: Likely benign. Last evaluated: 2025-11-05. Review status: criteria provided, single submitter. Criteria: ACMG Guidelines, 2015. Collection method: clinical testing. Allele origin: germline. Observed: 3 variant alleles.

ARUP Laboratories, Molecular Genetics and Genomics, ARUP Laboratories
Classification: Likely benign for Hypercholesterolemia, familial, 4. Last evaluated: 2025-07-17. Review status: criteria provided, single submitter. Criteria: ARUP Molecular Germline Variant Investigation Process 2024. Collection method: clinical testing. Allele origin: germline.

Molecular Diagnostic Laboratory for Inherited Cardiovascular Disease, Montreal Heart Institute
Classification: Benign. Last evaluated: 2025-04-09. Review status: criteria provided, single submitter. Criteria: ACMG Guidelines, 2015. Collection method: clinical testing. Allele origin: germline. Affected: no.

Blueprint Genetics
Classification: Likely benign. Last evaluated: 2024-11-25. Review status: criteria provided, single submitter. Criteria: ACMG Guidelines, 2015. Collection method: clinical testing. Allele origin: germline.

Ambry Genetics
Classification: Likely benign for Cardiovascular phenotype. Last evaluated: 2024-11-08. Review status: criteria provided, single submitter. Criteria: Ambry Variant Classification Scheme 2023. Collection method: clinical testing. Allele origin: germline.

GENinCode PLC
Classification: Likely benign for Hypercholesterolemia, familial, 4. Last evaluated: 2023-07-25. Review status: criteria provided, single submitter. Criteria: ACMG Guidelines, 2015. Collection method: clinical testing. Allele origin: germline.
Comment: This is a synonymous (silent) variant that is not predicted by SpliceAI to impact splicing. In addition, it occurs at a nucleotide that is not conserved and has a PopMax FAF which is greater than expected for this disorder. Therefore this variant has been classified as Likely Benign (BS1, BP4, BP7).

GeneDx
Classification: Likely benign. Last evaluated: 2021-11-05. Review status: criteria provided, single submitter. Criteria: GeneDx Variant Classification Process June 2021. Collection method: clinical testing. Allele origin: germline. Affected: yes.

Illumina Laboratory Services, Illumina
Classification: Uncertain significance for Hypercholesterolemia, familial, 4. Last evaluated: 2018-01-12. Review status: criteria provided, single submitter. Criteria: ICSL Variant Classification Criteria 13 December 2019. Collection method: clinical testing. Allele origin: germline.

Women's Health and Genetics/Laboratory Corporation of America, LabCorp
Classification: Benign. Last evaluated: 2017-06-02. Review status: criteria provided, single submitter. Criteria: LabCorp Variant Classification Summary - May 2015. Collection method: clinical testing. Allele origin: germline.
Comment: Variant summary: The LDLRAP1 c.672C>T (p.Ser224Ser) variant involves the alteration of a non-conserved nucleotide, resulting in a synonymous change. One in silico tool predicts a damaging outcome for this variant. 5/5 splice prediction tools predict no significant impact on normal splicing. ESE finder predicts that this variant may introduce an SRp40 ESE site at the locus. However, these predictions have yet to be confirmed by functional studies. This variant was found in the large control database ExAC at a frequency of 0.0014085 (170/120692 control chromosomes [1 homozygote]), which is approximately 2 times the estimated maximal expected allele frequency of a pathogenic LDLRAP1 variant (0.0007906), suggesting this variant is likely a benign polymorphism. In addition, multiple clinical diagnostic laboratories/reputable databases classified this variant as likely benign. The variant of interest has not, to our knowledge, been reported in affected individuals via publications, nor has it been evaluated for functional impact by in vivo/vitro studies. Taken together, this variant is classified as benign.

PreventionGenetics, part of Exact Sciences
Classification: Likely benign for LDLRAP1-related condition. Last evaluated: 2020-02-06. Review status: no assertion criteria provided. Collection method: clinical testing. Allele origin: germline. Not counted in ClinVar's aggregate classification.
Comment: This variant is classified as likely benign based on ACMG/AMP sequence variant interpretation guidelines (Richards et al. 2015 PMID: 25741868, with internal and published modifications).

Natera, Inc.
Classification: Likely benign for Familial hypercholesterolemia. Last evaluated: 2020-01-09. Review status: no assertion criteria provided. Collection method: clinical testing. Allele origin: germline. Not counted in ClinVar's aggregate classification.

Literature cited by the submitters: PubMed 36648309 (cited by Mayo Clinic Laboratories, Mayo Clinic).

NM_015627.3(LDLRAP1):c.672C>T (p.Ser224=)

Gene: LDLRAP1 (low density lipoprotein receptor adaptor protein 1; plus strand). Cytogenetic location: 1p36.11.
Variant type: single nucleotide variant.
Coding change: c.672C>T on transcript NM_015627.3 (MANE Select); coding-DNA position 672, C replaced by T.
Protein change: p.Ser224=; no amino-acid change (serine 224 retained).
Molecular consequence: synonymous variant.
Genome position (GRCh38, 1-based): chr1:25,563,716, C>T. VCF-style: chr1-25563716-C-T. GRCh37 (hg19) VCF-style: chr1-25890207-C-T.
Other names: p.Ser224=.
Identifiers: ClinVar variation 296985 (VCV000296985.46), dbSNP rs41291054, ClinGen allele CA695688.